The following is an entry in ClinVar:

NM_001330078.2(NRXN1):c.2391T>A (p.Thr797=)

Gene: NRXN1 (neurexin 1; minus strand). Cytogenetic location: 2p16.3.
Variant type: single nucleotide variant.
Coding change: c.2391T>A on transcript NM_001330078.2 (MANE Select); coding-DNA position 2391, T replaced by A.
Protein change: p.Thr797=; no amino-acid change (threonine 797 retained).
Molecular consequence: synonymous variant.
Genome position (GRCh38, 1-based): chr2:50,506,601, A>T on the plus strand (T>A on the coding strand, the complement: NRXN1 is on the minus strand). VCF-style: chr2-50506601-A-T. GRCh37 (hg19) VCF-style: chr2-50733739-A-T.
Other names: c.2511T>A, p.Thr837= (NM_001135659.3); c.2367T>A, p.Thr789= (NM_001330077.2, NM_001330082.2); c.2325T>A, p.Thr775= (NM_001330083.2, NM_001330084.2); c.2364T>A, p.Thr788= (NM_001330085.2); c.2391T>A, p.Thr797= (NM_001330086.2, NM_004801.6); c.2280T>A, p.Thr760= (NM_001330087.2, NM_001330096.2); c.2310T>A, p.Thr770= (NM_001330088.2); c.2388T>A, p.Thr796= (NM_001330093.2); and 2 more.
Identifiers: ClinVar variation 391880 (VCV000391880.8), dbSNP rs750156118, ClinGen allele CA1654827.

ClinVar aggregate classification (germline): Likely benign. Review status: criteria provided, multiple submitters, no conflicts (2 of 4 stars). 2 submissions from 2 submitters: Likely benign (2). Last evaluated 2022-02-21.

Conditions:
Pitt-Hopkins-like syndrome 2 (PTHSL2). Identifiers: Orphanet 221150, Orphanet 600663, MedGen C3280479, MONDO:0013690, OMIM 614325.

Allele frequency attached by ClinVar (database versions not stated): gnomAD exomes 0.00001; ExAC 0.00003.
gnomAD v4.1: 7 of 1,613,424 alleles (0.00043%); highest among the groups gnomAD compares: Non-Finnish European, 0.00059%; no homozygotes.

Submissions (2):

Labcorp Genetics (formerly Invitae), Labcorp
Classification: Likely benign for Pitt-Hopkins-like syndrome 2. Last evaluated: 2022-02-21. Review status: criteria provided, single submitter. Criteria: Invitae Variant Classification Sherloc (09022015). Collection method: clinical testing. Allele origin: germline.

GeneDx
Classification: Likely benign. Last evaluated: 2016-12-19. Review status: criteria provided, single submitter. Criteria: GeneDx Variant Classification (06012015). Collection method: clinical testing. Allele origin: germline. Affected: yes.
Comment: This variant is considered likely benign or benign based on one or more of the following criteria: it is a conservative change, it occurs at a poorly conserved position in the protein, it is predicted to be benign by multiple in silico algorithms, and/or has population frequency not consistent with disease.